The following is an entry in ClinVar:

ClinVar aggregate classification (germline): Uncertain significance. Review status: criteria provided, multiple submitters, no conflicts (2 of 4 stars). 2 submissions from 2 submitters: Uncertain significance (2). Last evaluated 2026-02-03.

Conditions:
Primary familial hypertrophic cardiomyopathy (HCM). Identifiers: Orphanet 99739, MedGen C0949658, MeSH D024741, MONDO:0024573. Inheritance: Various modes of inheritance.

Allele frequency attached by ClinVar (database versions not stated): gnomAD 0.00001; TOPMed 0.00001.
gnomAD v4.1: 54 of 1,613,966 alleles (0.0033%); highest among the groups gnomAD compares: Non-Finnish European, 0.0046%; no homozygotes.

Submissions (2):

Labcorp Genetics (formerly Invitae), Labcorp
Classification: Uncertain significance for Primary familial hypertrophic cardiomyopathy. Last evaluated: 2026-02-03. Review status: criteria provided, single submitter. Criteria: Invitae Variant Classification Sherloc (09022015). Collection method: clinical testing. Allele origin: germline.
Comment: This sequence change replaces isoleucine, which is neutral and non-polar, with threonine, which is neutral and polar, at codon 217 of the ILK protein (p.Ile217Thr). This variant is present in population databases (no rsID available, gnomAD 0.002%). This variant has not been reported in the literature in individuals affected with ILK-related conditions. ClinVar contains an entry for this variant (Variation ID: 3109499). An algorithm developed to predict the effect of missense changes on protein structure and function (PolyPhen-2) suggests that this variant is likely to be disruptive. In summary, the available evidence is currently insufficient to determine the role of this variant in disease. Therefore, it has been classified as a Variant of Uncertain Significance.

Ambry Genetics
Classification: Uncertain significance. Last evaluated: 2025-02-13. Review status: criteria provided, single submitter. Criteria: Ambry Variant Classification Scheme 2023. Collection method: clinical testing. Allele origin: germline.
Comment: The p.I217T variant (also known as c.650T>C), located in coding exon 7 of the ILK gene, results from a T to C substitution at nucleotide position 650. The isoleucine at codon 217 is replaced by threonine, an amino acid with similar properties. This amino acid position is conserved. In addition, this alteration is predicted to be deleterious by in silico analysis. Based on the available evidence, the clinical significance of this variant remains unclear.

NM_004517.4(ILK):c.650T>C (p.Ile217Thr)

Genes: TAF10 (TATA-box binding protein associated factor 10; minus strand), ILK (integrin linked kinase; plus strand). Cytogenetic location: 11p15.4.
Variant type: single nucleotide variant.
Coding change: c.650T>C on transcript NM_004517.4 (MANE Select); coding-DNA position 650, T replaced by C.
Protein change: p.Ile217Thr; replaces isoleucine 217 with threonine.
Molecular consequence: missense variant. On other transcripts: 3 prime UTR variant (1).
Genome position (GRCh38, 1-based): chr11:6,609,330, T>C. VCF-style: chr11-6609330-T-C. GRCh37 (hg19) VCF-style: chr11-6630561-T-C.
Other names: c.650T>C, p.Ile217Thr (NM_001014794.3, NM_001014795.3); c.467T>C, p.Ile156Thr (NM_001278441.2); c.248T>C, p.Ile83Thr (NM_001278442.2); c.*1592A>G (NM_006284.4); short protein forms I217T, I83T, I156T.
Identifiers: ClinVar variation 3109499 (VCV003109499.4), dbSNP rs1050368247, ClinGen allele CA217314210.
Genomic context (GRCh38, chr11:6,609,330, plus strand): 5'-AAGCCTCCTAACCCCTACCTGTCCTGCAGCTATGGAAGGGCCGCTGGCAGGGCAATGACA[T>C]TGTCGTGAAGGTGCTGAAGGTTCGAGACTGGAGTACAAGGAAGAGCAGGGACTTCAATGA-3'
Protein context (NP_004508.1, residues 207-227): LWKGRWQGND[Ile217Thr]VVKVLKVRDW